The following is an entry in ClinVar:

ClinVar aggregate classification (germline): Uncertain significance (1 of 4 stars; one submission).

Allele frequency attached by ClinVar (database versions not stated): gnomAD exomes below 0.00001; TOPMed 0.00001.
gnomAD v4.1: 3 of 1,606,816 alleles (0.00019%); highest among the groups gnomAD compares: Non-Finnish European, 0.00026%; no homozygotes.

Submission:

Labcorp Genetics (formerly Invitae), Labcorp
Classification: Uncertain significance. Last evaluated: 2022-03-20. Review status: criteria provided, single submitter. Criteria: Invitae Variant Classification Sherloc (09022015). Collection method: clinical testing. Allele origin: germline.
Comment: The frequency data for this variant in the population databases is considered unreliable, as metrics indicate poor data quality at this position in the gnomAD database. This variant has not been reported in the literature in individuals affected with IFT88-related conditions. Algorithms developed to predict the effect of missense changes on protein structure and function output the following: SIFT: "Not Available"; PolyPhen-2: "Benign"; Align-GVGD: "Not Available". The isoleucine amino acid residue is found in multiple mammalian species, which suggests that this missense change does not adversely affect protein function. In summary, the available evidence is currently insufficient to determine the role of this variant in disease. Therefore, it has been classified as a Variant of Uncertain Significance. This sequence change replaces threonine, which is neutral and polar, with isoleucine, which is neutral and non-polar, at codon 82 of the IFT88 protein (p.Thr82Ile).

NM_006531.5(IFT88):c.218C>T (p.Thr73Ile)

Gene: IFT88 (intraflagellar transport 88; plus strand). Cytogenetic location: 13q12.11.
Variant type: single nucleotide variant.
Coding change: c.218C>T on transcript NM_006531.5 (MANE Select); coding-DNA position 218, C replaced by T.
Protein change: p.Thr73Ile; replaces threonine 73 with isoleucine.
Molecular consequence: missense variant. On other transcripts: 5 prime UTR variant (1), non-coding transcript variant (5).
Genome position (GRCh38, 1-based): chr13:20,590,974, C>T. VCF-style: chr13-20590974-C-T. GRCh37 (hg19) VCF-style: chr13-21165113-C-T.
Other names: c.161C>T, p.Thr54Ile (NM_001318491.2, NM_001353573.2, NM_001353574.2 and 1 more transcripts); c.245C>T, p.Thr82Ile (NM_001318493.2, NM_001353565.2, NM_001353566.2 and 6 more transcripts); c.218C>T, p.Thr73Ile (NM_001353568.2, NM_001353571.2, NM_001353572.2 and 1 more transcripts); c.-346C>T (NM_001353579.2); short protein forms T73I, T82I, T54I.
Identifiers: ClinVar variation 1947980 (VCV001947980.5), dbSNP rs935172901, ClinGen allele CA246516993.